The following is an entry in ClinVar:

ClinVar aggregate classification (germline): Uncertain significance (1 of 4 stars; one submission).

Conditions:
Idiopathic generalized epilepsy. Also called: Generalised epilepsy; EIG. Identifiers: MedGen C0270850, MONDO:0005579, OMIM 600669.

Allele frequency attached by ClinVar (database versions not stated): ExAC 0.00001; gnomAD exomes 0.00001; TOPMed 0.00002; gnomAD 0.00003.
gnomAD v4.1: 13 of 1,549,010 alleles (0.00084%); highest among the groups gnomAD compares: East Asian, 0.0046%; no homozygotes.

Submission:

Labcorp Genetics (formerly Invitae), Labcorp
Classification: Uncertain significance for Idiopathic generalized epilepsy. Last evaluated: 2019-10-25. Review status: criteria provided, single submitter. Criteria: Invitae Variant Classification Sherloc (09022015). Collection method: clinical testing. Allele origin: germline.
Comment: In summary, the available evidence is currently insufficient to determine the role of this variant in disease. Therefore, it has been classified as a Variant of Uncertain Significance. Algorithms developed to predict the effect of missense changes on protein structure and function output the following: SIFT: "Tolerated"; PolyPhen-2: "Benign"; Align-GVGD: "Class C0". The valine amino acid residue is found in multiple mammalian species, suggesting that this missense change does not adversely affect protein function. These predictions have not been confirmed by published functional studies and their clinical significance is uncertain. This variant has not been reported in the literature in individuals with GABRD-related conditions. This variant is present in population databases (rs756592609, ExAC 0.002%). This sequence change replaces alanine with valine at codon 448 of the GABRD protein (p.Ala448Val). The alanine residue is moderately conserved and there is a small physicochemical difference between alanine and valine.

NM_000815.5(GABRD):c.1343C>T (p.Ala448Val)

Gene: GABRD (gamma-aminobutyric acid type A receptor subunit delta; plus strand). Cytogenetic location: 1p36.33.
Variant type: single nucleotide variant.
Coding change: c.1343C>T on transcript NM_000815.5 (MANE Select); coding-DNA position 1343, C replaced by T.
Protein change: p.Ala448Val; replaces alanine 448 with valine.
Molecular consequence: missense variant.
Genome position (GRCh38, 1-based): chr1:2,030,266, C>T. VCF-style: chr1-2030266-C-T. GRCh37 (hg19) VCF-style: chr1-1961705-C-T.
Other names: short protein forms A448V.
Identifiers: ClinVar variation 934205 (VCV000934205.9), dbSNP rs756592609, ClinGen allele CA534979.